The following is an entry in ClinVar:

ClinVar aggregate classification (germline): Benign/Likely benign. Review status: criteria provided, multiple submitters, no conflicts (2 of 4 stars). 7 submissions from 7 submitters: Benign (4); Likely benign (2). 1 of the submissions does not count toward it. Last evaluated 2026-05-07.

Conditions:
Polycystic kidney disease. Also called: Kidney, Polycystic; Polycystic kidney dysplasia. Identifiers: MedGen C0022680, MeSH D007690, MONDO:0020642, HP:0000113.
Polycystic kidney disease, adult type (PKD1). Also called: POLYCYSTIC KIDNEY DISEASE, ADULT, TYPE I; Polycystic Kidney, Autosomal Dominant; POLYCYSTIC KIDNEY DISEASE 1 WITH OR WITHOUT POLYCYSTIC LIVER DISEASE; Polycystic Kidney Disease 1, Autosomal Dominant; Polycystic kidney disease 1; Polycystic kidney disease 1, severe. Identifiers: MedGen C3149841, MONDO:0008263, OMIM 173900.

Allele frequency attached by ClinVar (database versions not stated): gnomAD exomes 0.00046 and 0.00120; ExAC 0.00341; ESP Exome Variant Server 0.00456; gnomAD 0.00457 and 0.00492; TOPMed 0.00532; 1000 Genomes Project 30x 0.00609; 1000 Genomes Project 0.00619.
gnomAD v4.1: 1,368 of 1,560,074 alleles (0.088%); highest among the groups gnomAD compares: African/African-American, 1.7%; 19 homozygotes.

Submissions (7):

Women's Health and Genetics/Laboratory Corporation of America, LabCorp
Classification: Likely benign. Last evaluated: 2026-05-07. Review status: criteria provided, single submitter. Criteria: LabCorp Variant Classification Summary - May 2015. Collection method: clinical testing. Allele origin: germline.
Comment: Variant summary: PKD1 c.6545A>G (p.Gln2182Arg) results in a conservative amino acid change in the encoded protein sequence. Algorithms developed to predict the effect of missense changes on protein structure and function are either unavailable or do not agree on the potential impact of this missense change. The variant allele was found at a frequency of 0.00088 in 1560074 control chromosomes, predominantly at a frequency of 0.017 within the African or African-American subpopulation in the gnomAD database, including 18 homozygotes. The observed variant frequency within African or African-American control individuals in the gnomAD database exceeds the estimated maximal expected allele frequency for disease-causing variants in PKD1. c.6545A>G has been observed in the presumed compound heterozygous state in at least 1 individual(s) affected with ADPKD but no indication of recessive disease (example, Garcia-Gonzalez_2007). These report(s) do not provide unequivocal conclusions about association of the variant with PKD1-related conditions. To our knowledge, no experimental evidence demonstrating an impact on protein function has been reported. The following publication has been ascertained in the context of this evaluation (PMID: 17574468). ClinVar contains an entry for this variant (Variation ID: 433974). Based on the evidence outlined above, the variant was classified as likely benign.

Mayo Clinic Laboratories, Mayo Clinic
Classification: Benign. Last evaluated: 2025-01-21. Review status: criteria provided, single submitter. Criteria: ACMG Guidelines, 2015. Collection method: clinical testing. Allele origin: germline. Observed: 2 variant alleles.
Comment: BS1, BS2, BP4

CeGaT Center for Human Genetics Tuebingen
Classification: Benign. Last evaluated: 2024-05-01. Review status: criteria provided, single submitter. Criteria: CeGaT Center For Human Genetics Tuebingen Variant Classification Criteria Version 2. Collection method: clinical testing. Allele origin: germline. Affected: yes. Observed: 1 variant allele.
Comment: PKD1: BS1, BS2

GeneDx
Classification: Benign. Last evaluated: 2020-04-01. Review status: criteria provided, single submitter. Criteria: GeneDx Variant Classification Process June 2021. Collection method: clinical testing. Allele origin: germline. Affected: yes.
Comment: This variant is associated with the following publications: (PMID: 17574468, 22995991)

Mendelics
Classification: Likely benign for Polycystic kidney disease, adult type. Last evaluated: 2019-05-28. Review status: criteria provided, single submitter. Criteria: Mendelics Assertion Criteria 2017. Collection method: clinical testing. Allele origin: unknown.

Athena Diagnostics
Classification: Benign. Last evaluated: 2017-02-20. Review status: criteria provided, single submitter. Criteria: Athena Diagnostics Criteria. Collection method: clinical testing. Allele origin: germline.

Department of Pathology and Laboratory Medicine, Sinai Health System
Classification: Likely benign for Polycystic Kidney disease. Review status: no assertion criteria provided. Collection method: clinical testing. Allele origin: unknown. Affected: yes. Observed: 1 variant allele. Study: The Canadian Open Genetics Repository (COGR). Not counted in ClinVar's aggregate classification.
Comment: The PKD1 p.Gln2182Arg variant was identified in 2 of 164 proband chromosomes (frequency: 0.012) from individuals or families with polycystic kidney disease, and was not identified in 342 control chromosomes from healthy individuals. The variant was also identified in dbSNP (ID: rs147685291) as â€šÃ„ÃºNAâ€šÃ„Ã¹, in Cosmic 1x as a variant of unknown origin from a lung cell carcinoma and in ADPKD database as likely neutral. The variant was also identified in the 1000 Genomes Project in 31 of 5000 chromosomes (frequency: 0.0062); the NHLBI GO Exome Sequencing Project in 1 of 8452 European American (frequency: 0.0001) and 57 of 4274 African American alleles (frequency: 0.01). Furthermore the variant was identified in the Exome Aggregation Consortium database (August 8, 2016) in 83 (2 homozygous) of 24342 chromosomes (frequency: 0.003) in the following populations: African in 80 of 2954 chromosomes (frequency: 0.027), Latino in 3 of 798 chromosomes (frequency: 0.004), but was not seen in East Asian, European (Finnish), European (Non-Finnish) and South Asian populations. In addition we cannot be certain that data from control databases is specific to PKD1 and not from one of the six PKD1 pseudogenes. The variant was not identified in Clinvitae, ClinVar, GeneInsight COGR, MutDB, PKD1-LOVD and PKD1-LOVD 3.0 databases. The p.Gln2182 residue is conserved in mammals and computational analyses (PolyPhen-2, SIFT, AlignGVGD, BLOSUM, MutationTaster) provide inconsistent predictions regarding the impact to the protein; this information is not very predictive of pathogenicity. The variant occurs outside of the splicing consensus sequence and in silico or computational prediction software programs (SpliceSiteFinder, MaxEntScan, NNSPLICE, GeneSplicer, HumanSpliceFinder) do not predict a difference in splicing. In summary, based on the above information, the clinical significance of this variant cannot be determined with certainty at this time. This variant is classified as a variant as Likely Benign.

Literature cited by the submitters: PubMed 17574468 (cited by 3 submitters); PubMed 22995991 (cited by Mayo Clinic Laboratories, Mayo Clinic and Athena Diagnostics); PubMed 30476936 (cited by Mayo Clinic Laboratories, Mayo Clinic).

NM_001009944.3(PKD1):c.6545A>G (p.Gln2182Arg)

Gene: PKD1 (polycystin 1, transient receptor potential channel interacting; minus strand). Cytogenetic location: 16p13.3.
Variant type: single nucleotide variant.
Coding change: c.6545A>G on transcript NM_001009944.3 (MANE Select); coding-DNA position 6545, A replaced by G.
Protein change: p.Gln2182Arg; replaces glutamine 2182 with arginine.
Molecular consequence: missense variant.
Genome position (GRCh38, 1-based): chr16:2,108,622, T>C on the plus strand (A>G on the coding strand, the complement: PKD1 is on the minus strand). VCF-style: chr16-2108622-T-C. GRCh37 (hg19) VCF-style: chr16-2158623-T-C.
Other names: c.6545A>G, p.Gln2182Arg (NM_000296.4); short protein forms Q2182R.
Identifiers: ClinVar variation 433974 (VCV000433974.27), dbSNP rs147685291, ClinGen allele CA7831566.